The following is an entry in ClinVar:

ClinVar aggregate classification (germline): Uncertain significance (1 of 4 stars; one submission).

Conditions:
Werner syndrome (WRN). Identifiers: Orphanet 902, MedGen C0043119, MONDO:0010196, OMIM 277700.

gnomAD v4.1: 6 of 1,604,314 alleles (0.00037%); highest among the groups gnomAD compares: Non-Finnish European, 0.00025%; no homozygotes.

Submission:

Labcorp Genetics (formerly Invitae), Labcorp
Classification: Uncertain significance for Werner syndrome. Last evaluated: 2024-01-16. Review status: criteria provided, single submitter. Criteria: Invitae Variant Classification Sherloc (09022015). Collection method: clinical testing. Allele origin: germline.
Comment: This sequence change replaces isoleucine, which is neutral and non-polar, with phenylalanine, which is neutral and non-polar, at codon 283 of the WRN protein (p.Ile283Phe). This variant is not present in population databases (gnomAD no frequency). This variant has not been reported in the literature in individuals affected with WRN-related conditions. ClinVar contains an entry for this variant (Variation ID: 404033). An algorithm developed to predict the effect of missense changes on protein structure and function (PolyPhen-2) suggests that this variant is likely to be tolerated. In summary, the available evidence is currently insufficient to determine the role of this variant in disease. Therefore, it has been classified as a Variant of Uncertain Significance.

NM_000553.6(WRN):c.847A>T (p.Ile283Phe)

Gene: WRN (WRN RecQ like helicase; plus strand). Cytogenetic location: 8p12.
Variant type: single nucleotide variant.
Coding change: c.847A>T on transcript NM_000553.6 (MANE Select); coding-DNA position 847, A replaced by T.
Protein change: p.Ile283Phe; replaces isoleucine 283 with phenylalanine.
Molecular consequence: missense variant.
Genome position (GRCh38, 1-based): chr8:31,080,874, A>T. VCF-style: chr8-31080874-A-T. GRCh37 (hg19) VCF-style: chr8-30938390-A-T.
Other names: short protein forms I283F.
Identifiers: ClinVar variation 404033 (VCV000404033.6), dbSNP rs201643901, ClinGen allele CA16612421.
Genomic context (GRCh38, chr8:31,080,874, plus strand): 5'-CTTGTAGTTAATGCAATTGAAGTTGAATTAATCTTTCTTAATTTTTTTTTTAGGGTTTCT[A>T]TCTTACTAAAGGATATTTCAGAAAATCTATATTCACTGAGGAGGATGATAATTGGGTCTA-3'
Protein context (NP_000544.2, residues 273-293): SKLENPRRVS[Ile283Phe]LLKDISENLY